The following is an entry in ClinVar:

ClinVar aggregate classification (germline): Uncertain significance (1 of 4 stars; one submission).

Conditions:
Hereditary cancer-predisposing syndrome. Also called: Neoplastic Syndromes, Hereditary; Hereditary Cancer Syndrome; Hereditary neoplastic syndrome; Tumor predisposition. Identifiers: Orphanet 140162, MedGen C0027672, MeSH D009386, MONDO:0015356.

Submission:

Ambry Genetics
Classification: Uncertain significance for Hereditary cancer-predisposing syndrome. Last evaluated: 2023-03-18. Review status: criteria provided, single submitter. Criteria: Ambry Variant Classification Scheme 2023. Collection method: clinical testing. Allele origin: germline.
Comment: The p.P735S variant (also known as c.2203C>T), located in coding exon 15 of the CTNNA1 gene, results from a C to T substitution at nucleotide position 2203. The proline at codon 735 is replaced by serine, an amino acid with similar properties. This amino acid position is conserved. In addition, the in silico prediction for this alteration is inconclusive. Since supporting evidence is limited at this time, the clinical significance of this alteration remains unclear.

NM_001903.5(CTNNA1):c.2203C>T (p.Pro735Ser)

Gene: CTNNA1 (catenin alpha 1; plus strand). Cytogenetic location: 5q31.2.
Variant type: single nucleotide variant.
Coding change: c.2203C>T on transcript NM_001903.5 (MANE Select); coding-DNA position 2203, C replaced by T.
Protein change: p.Pro735Ser; replaces proline 735 with serine.
Molecular consequence: missense variant.
Genome position (GRCh38, 1-based): chr5:138,930,840, C>T. VCF-style: chr5-138930840-C-T. GRCh37 (hg19) VCF-style: chr5-138266529-C-T.
Other names: c.2203C>T, p.Pro735Ser (NM_001290307.3, NM_001323982.2, NM_001323983.1 and 2 more transcripts); c.1894C>T, p.Pro632Ser (NM_001290309.3); c.1834C>T, p.Pro612Ser (NM_001290310.3); c.1093C>T, p.Pro365Ser (NM_001290312.1, NM_001323987.1, NM_001323988.1 and 17 more transcripts); c.2110C>T, p.Pro704Ser (NM_001323986.2); c.754C>T, p.Pro252Ser (NM_001324006.1, NM_001324007.1, NM_001324008.1 and 2 more transcripts); c.1000C>T, p.Pro334Ser (NM_001324011.1); c.850C>T, p.Pro284Ser (NM_001324012.1, NM_001324013.1); short protein forms P334S, P365S, P632S, P284S, P252S, P704S, P735S, P612S.
Identifiers: ClinVar variation 2563266 (VCV002563266.2), dbSNP rs2533858979, ClinGen allele CA361133767.